The following is an entry in ClinVar:

ClinVar aggregate classification (germline): Conflicting classifications of pathogenicity. Review status: criteria provided, conflicting classifications (1 of 4 stars). 6 submissions from 6 submitters: Uncertain significance (5); Likely benign (1). Last evaluated 2026-03-10.

Conditions:
Inborn genetic diseases. Identifiers: MedGen C0950123, MeSH D030342.
PKHD1-related disorder. Also called: PKHD1-related condition.
Polycystic kidney disease 4 (PKD4). Also called: Autosomal Recessive Polycystic Kidney Disease – PKHD1; PKD3; POLYCYSTIC KIDNEY AND HEPATIC DISEASE 1; POLYCYSTIC KIDNEY DISEASE, INFANTILE, TYPE I; POLYCYSTIC KIDNEY DISEASE 4 WITH OR WITHOUT POLYCYSTIC LIVER DISEASE. Identifiers: MedGen C4540575, MONDO:0033004, OMIM 263200.
Autosomal recessive polycystic kidney disease (ARPKD). Also called: AR polycystic kidney disease. Identifiers: Orphanet 731, Orphanet 8378, MedGen C0085548, MeSH D017044, MONDO:0009889.

Allele frequency attached by ClinVar (database versions not stated): ExAC 0.00011; 1000 Genomes Project 30x 0.00016; 1000 Genomes Project 0.00020; TOPMed 0.00026; gnomAD 0.00027 and 0.00030; ESP Exome Variant Server 0.00008; gnomAD exomes 0.00009.
gnomAD v4.1: 83 of 1,614,024 alleles (0.0051%); highest among the groups gnomAD compares: African/African-American, 0.087%; 1 homozygote.

Submissions (6):

PreventionGenetics, part of Exact Sciences
Classification: Uncertain significance for PKHD1-related condition. Last evaluated: 2026-03-10. Review status: criteria provided, single submitter. Criteria: ACMG Guidelines, 2015. Collection method: clinical testing. Allele origin: germline.
Comment: The PKHD1 c.1643A>G variant is predicted to result in the amino acid substitution p.Lys548Arg. This variant was reported in an individual with Focal segmental glomerulosclerosis (Wang et al. 2019. PubMed ID: 31308072). This variant is reported in 0.12% of alleles in individuals of African descent in gnomAD. Although we suspect that this variant may be benign, at this time, the clinical significance of this variant is uncertain due to the absence of conclusive functional and genetic evidence.

Labcorp Genetics (formerly Invitae), Labcorp
Classification: Likely benign for Autosomal recessive polycystic kidney disease. Last evaluated: 2026-01-30. Review status: criteria provided, single submitter. Criteria: Invitae Variant Classification Sherloc (09022015). Collection method: clinical testing. Allele origin: germline.

Fulgent Genetics
Classification: Uncertain significance for Polycystic kidney disease 4. Last evaluated: 2024-03-12. Review status: criteria provided, single submitter. Criteria: ACMG Guidelines, 2015. Collection method: clinical testing. Allele origin: germline.

Mayo Clinic Laboratories, Mayo Clinic
Classification: Uncertain significance. Last evaluated: 2022-11-21. Review status: criteria provided, single submitter. Criteria: ACMG Guidelines, 2015. Collection method: clinical testing. Allele origin: germline. Observed: 1 variant allele.
Comment: BP4

Ambry Genetics
Classification: Uncertain significance for Inborn genetic diseases. Last evaluated: 2021-08-17. Review status: criteria provided, single submitter. Criteria: Ambry Variant Classification Scheme 2023. Collection method: clinical testing. Allele origin: germline.

Blueprint Genetics
Classification: Uncertain significance. Last evaluated: 2018-10-03. Review status: criteria provided, single submitter. Criteria: ACMG Guidelines, 2015. Collection method: clinical testing. Allele origin: germline.

NM_138694.4(PKHD1):c.1643A>G (p.Lys548Arg)

Gene: PKHD1 (PKHD1 ciliary IPT domain containing fibrocystin/polyductin; minus strand). Cytogenetic location: 6p12.2.
Variant type: single nucleotide variant.
Coding change: c.1643A>G on transcript NM_138694.4 (MANE Select); coding-DNA position 1643, A replaced by G.
Protein change: p.Lys548Arg; replaces lysine 548 with arginine.
Molecular consequence: missense variant.
Genome position (GRCh38, 1-based): chr6:52,056,748, T>C on the plus strand (A>G on the coding strand, the complement: PKHD1 is on the minus strand). VCF-style: chr6-52056748-T-C. GRCh37 (hg19) VCF-style: chr6-51921546-T-C.
Other names: p.Lys548Arg; c.1643A>G, p.Lys548Arg (NM_170724.3); c.1643A>G (NM_138694.3); short protein forms K548R.
Identifiers: ClinVar variation 1135629 (VCV001135629.13), dbSNP rs145163993, ClinGen allele CA3853494.